The following is an entry in ClinVar:

ClinVar aggregate classification (germline): Uncertain significance (1 of 4 stars; one submission).

gnomAD v4.1: 4 of 1,606,694 alleles (0.00025%); highest among the groups gnomAD compares: East Asian, 0.0067%; no homozygotes.

Submission:

Labcorp Genetics (formerly Invitae), Labcorp
Classification: Uncertain significance. Last evaluated: 2022-10-05. Review status: criteria provided, single submitter. Criteria: Invitae Variant Classification Sherloc (09022015). Collection method: clinical testing. Allele origin: germline.
Comment: In summary, the available evidence is currently insufficient to determine the role of this variant in disease. Therefore, it has been classified as a Variant of Uncertain Significance. Advanced modeling of protein sequence and biophysical properties (such as structural, functional, and spatial information, amino acid conservation, physicochemical variation, residue mobility, and thermodynamic stability) performed at Invitae indicates that this missense variant is expected to disrupt CEP78 protein function. ClinVar contains an entry for this variant (Variation ID: 963452). This variant has not been reported in the literature in individuals affected with CEP78-related conditions. This variant is not present in population databases (gnomAD no frequency). This sequence change replaces aspartic acid, which is acidic and polar, with asparagine, which is neutral and polar, at codon 48 of the CEP78 protein (p.Asp48Asn).

NM_001330691.3(CEP78):c.142G>A (p.Asp48Asn)

Gene: CEP78 (centrosomal protein 78; plus strand). Cytogenetic location: 9q21.2.
Variant type: single nucleotide variant.
Coding change: c.142G>A on transcript NM_001330691.3 (MANE Select); coding-DNA position 142, G replaced by A.
Protein change: p.Asp48Asn; replaces aspartic acid 48 with asparagine.
Molecular consequence: missense variant.
Genome position (GRCh38, 1-based): chr9:78,236,492, G>A. VCF-style: chr9-78236492-G-A. GRCh37 (hg19) VCF-style: chr9-80851408-G-A.
Other names: c.142G>A, p.Asp48Asn (NM_001098802.3, NM_001330693.3, NM_001330694.2 and 4 more transcripts); short protein forms D48N.
Identifiers: ClinVar variation 963452 (VCV000963452.9), dbSNP rs1323706997, ClinGen allele CA373999341.